The following is an entry in ClinVar:

NM_138386.3(NAF1):c.199C>T (p.Leu67=)

Gene: NAF1 (nuclear assembly factor 1 ribonucleoprotein; minus strand). Cytogenetic location: 4q32.2.
Variant type: single nucleotide variant.
Coding change: c.199C>T on transcript NM_138386.3 (MANE Select); coding-DNA position 199, C replaced by T.
Protein change: p.Leu67=; no amino-acid change (leucine 67 retained).
Molecular consequence: synonymous variant.
Genome position (GRCh38, 1-based): chr4:163,166,529, G>A on the plus strand (C>T on the coding strand, the complement: NAF1 is on the minus strand). VCF-style: chr4-163166529-G-A. GRCh37 (hg19) VCF-style: chr4-164087681-G-A.
Other names: c.199C>T, p.Leu67= (NM_001128931.2).
Identifiers: ClinVar variation 3030733 (VCV003030733.3), dbSNP rs1385441348, ClinGen allele CA442271566.

ClinVar aggregate classification (germline): Likely benign. Review status: criteria provided, single submitter (1 of 4 stars). 2 submissions from 2 submitters: Likely benign (1). 1 of the submissions does not count toward it. Last evaluated 2025-08-03.

Conditions:
NAF1-related disorder. Also called: NAF1-related condition.

Allele frequency attached by ClinVar (database versions not stated): TOPMed 0.00002; gnomAD 0.00003; gnomAD exomes 0.00001.
gnomAD v4.1: 13 of 1,595,290 alleles (0.00081%); highest among the groups gnomAD compares: Non-Finnish European, 0.0011%; no homozygotes.

Submissions (2):

Labcorp Genetics (formerly Invitae), Labcorp
Classification: Likely benign. Last evaluated: 2025-08-03. Review status: criteria provided, single submitter. Criteria: Invitae Variant Classification Sherloc (09022015). Collection method: clinical testing. Allele origin: germline.

PreventionGenetics, part of Exact Sciences
Classification: Likely benign for NAF1-related condition. Last evaluated: 2021-06-10. Review status: no assertion criteria provided. Collection method: clinical testing. Allele origin: germline. Not counted in ClinVar's aggregate classification.
Comment: This variant is classified as likely benign based on ACMG/AMP sequence variant interpretation guidelines (Richards et al. 2015 PMID: 25741868, with internal and published modifications).